The following is an entry in ClinVar:

ClinVar aggregate classification (germline): Uncertain significance (1 of 4 stars; one submission).

Submission:

GeneDx
Classification: Uncertain significance. Last evaluated: 2022-04-24. Review status: criteria provided, single submitter. Criteria: GeneDx Variant Classification Process June 2021. Collection method: clinical testing. Allele origin: germline. Affected: yes.
Comment: Not observed at significant frequency in large population cohorts (gnomAD); In-frame deletion of 2 amino acids in a non-repeat region; In silico analysis supports a deleterious effect on protein structure/function; Has not been previously published as pathogenic or benign to our knowledge

NM_001378452.1(ITPR1):c.5475_5480del (p.Ser1825_Asp1826del)

Gene: ITPR1 (inositol 1,4,5-trisphosphate receptor type 1; plus strand). Cytogenetic location: 3p26.1.
Variant type: Deletion.
Coding change: c.5475_5480del on transcript NM_001378452.1 (MANE Select); coding-DNA positions 5475 to 5480, 6 bases deleted (TGACCG; older notation c.5475_5480delTGACCG).
Protein change: p.Ser1825_Asp1826del.
Molecular consequence: inframe deletion.
Genome position (GRCh38, 1-based): chr3:4,735,285-4,735,290, TGACCG deleted; deleting any 6 consecutive bases within chr3:4,735,284-4,735,290 gives the same sequence; the c. name uses the placement nearest the transcript's 3' end. VCF-style (leftmost placement, unchanged base first): chr3-4735283-AGTGACC-A. GRCh37 (hg19) VCF-style: chr3-4776967-AGTGACC-A.
Other names: c.5331_5336del, p.Ser1777_Asp1778del (NM_001099952.4); c.5430_5435del, p.Ser1810_Asp1811del (NM_001168272.2); c.5286_5291del, p.Ser1762_Asp1763del (NM_002222.7).
Identifiers: ClinVar variation 1712008 (VCV001712008.2), dbSNP rs2469953165, ClinGen allele CA2580069182.